The following is an entry in ClinVar:

NM_023110.3(FGFR1):c.557C>G (p.Pro186Arg)

Gene: FGFR1 (fibroblast growth factor receptor 1; minus strand). Cytogenetic location: 8p11.23.
Variant type: single nucleotide variant.
Coding change: c.557C>G on transcript NM_023110.3 (MANE Select); coding-DNA position 557, C replaced by G.
Protein change: p.Pro186Arg; replaces proline 186 with arginine.
Molecular consequence: missense variant.
Genome position (GRCh38, 1-based): chr8:38,427,985, G>C on the plus strand (C>G on the coding strand, the complement: FGFR1 is on the minus strand). VCF-style: chr8-38427985-G-C. GRCh37 (hg19) VCF-style: chr8-38285503-G-C.
Other names: c.557C>G, p.Pro186Arg (NM_001174063.2); c.533C>G, p.Pro178Arg (NM_001174064.2); c.551C>G, p.Pro184Arg (NM_001174065.2, NM_001354367.2, NM_001354369.2 and 1 more transcripts); c.290C>G, p.Pro97Arg (NM_001174066.2, NM_023105.3); c.650C>G, p.Pro217Arg (NM_001174067.2); c.284C>G, p.Pro95Arg (NM_001354368.2, NM_001354370.2, NM_023106.3); c.557C>G (NM_023110.2); short protein forms P178R, P97R, P186R, P95R, P184R, P217R.
Identifiers: ClinVar variation 1520257 (VCV001520257.8), dbSNP rs2150912609, ClinGen allele CA370735640.
Genomic context (GRCh38, chr8:38,427,985, plus strand): 5'-TAGCCTCCAATTCTGTGGTCAGGTTTGAATTCTTTGCCATTTTTCAACCAGCGCAGTGTG[G>C]GGTTTGGGGTCCCACTGGAAGGGCATTTGAACTTCACTGTCTTGGCAGCCGGCACTGCAT-3'
Protein context (NP_075598.2, residues 176-196): FKCPSSGTPN[Pro186Arg]TLRWLKNGKE

ClinVar aggregate classification (germline): Uncertain significance. Review status: criteria provided, multiple submitters, no conflicts (2 of 4 stars). 2 submissions from 2 submitters: Uncertain significance (2). Last evaluated 2023-05-04.

Conditions:
Hypogonadotropic hypogonadism 2 with or without anosmia (HH2). Also called: HYPOGONADOTROPIC HYPOGONADISM 2 WITHOUT ANOSMIA; HYPOGONADOTROPIC HYPOGONADISM 2 WITH OR WITHOUT ANOSMIA, SUSCEPTIBILITY TO; HYPOGONADOTROPIC HYPOGONADISM 2 WITHOUT ANOSMIA, SUSCEPTIBILITY TO; FGFR1-Related GnRH Deficiency (Kallmann Syndrome 2). Identifiers: Orphanet 478, MedGen C1563720, MONDO:0007844, OMIM 147950. Disease mechanism: loss of function.
Pfeiffer syndrome (ACS5). Also called: ACS V. Identifiers: Orphanet 710, MedGen C0220658, MONDO:0007043, OMIM 101600.

Submissions (2):

Reproductive Endocrine Unit, Massachusetts General Hospital
Classification: Uncertain significance for Hypogonadotropic hypogonadism 2 with or without anosmia. Last evaluated: 2023-05-04. Review status: criteria provided, single submitter. Criteria: ACMG Guidelines, 2015. Collection method: research. Allele origin: unknown. Affected: yes. Observed: 1 variant allele.

Labcorp Genetics (formerly Invitae), Labcorp
Classification: Uncertain significance for Pfeiffer syndrome; Hypogonadotropic hypogonadism 2 with or without anosmia. Last evaluated: 2021-03-26. Review status: criteria provided, single submitter. Criteria: Invitae Variant Classification Sherloc (09022015). Collection method: clinical testing. Allele origin: germline.
Comment: This sequence change replaces proline with arginine at codon 186 of the FGFR1 protein (p.Pro186Arg). The proline residue is highly conserved and there is a moderate physicochemical difference between proline and arginine. This variant is not present in population databases (ExAC no frequency). This variant has not been reported in the literature in individuals with FGFR1-related conditions. Algorithms developed to predict the effect of missense changes on protein structure and function are either unavailable or do not agree on the potential impact of this missense change (SIFT: "Tolerated"; PolyPhen-2: "Probably Damaging"; Align-GVGD: "Class C0"). In summary, the available evidence is currently insufficient to determine the role of this variant in disease. Therefore, it has been classified as a Variant of Uncertain Significance.